The following is an entry in ClinVar:

NM_001080467.3(MYO5B):c.584A>T (p.Lys195Met)

Gene: MYO5B (myosin VB; minus strand). Cytogenetic location: 18q21.1.
Variant type: single nucleotide variant.
Coding change: c.584A>T on transcript NM_001080467.3 (MANE Select); coding-DNA position 584, A replaced by T.
Protein change: p.Lys195Met; replaces lysine 195 with methionine.
Molecular consequence: missense variant.
Genome position (GRCh38, 1-based): chr18:50,001,283, T>A on the plus strand (A>T on the coding strand, the complement: MYO5B is on the minus strand). VCF-style: chr18-50001283-T-A. GRCh37 (hg19) VCF-style: chr18-47527653-T-A.
Other names: short protein forms K195M.
Identifiers: ClinVar variation 1386983 (VCV001386983.6), dbSNP rs773290007, ClinGen allele CA8961854.

ClinVar aggregate classification (germline): Uncertain significance (1 of 4 stars; one submission).

Allele frequency attached by ClinVar (database versions not stated): gnomAD exomes below 0.00001; ExAC 0.00001.

Submission:

Labcorp Genetics (formerly Invitae), Labcorp
Classification: Uncertain significance. Last evaluated: 2024-10-15. Review status: criteria provided, single submitter. Criteria: Invitae Variant Classification Sherloc (09022015). Collection method: clinical testing. Allele origin: germline.
Comment: This sequence change replaces lysine, which is basic and polar, with methionine, which is neutral and non-polar, at codon 195 of the MYO5B protein (p.Lys195Met). This variant is present in population databases (rs773290007, gnomAD 0.003%). This variant has not been reported in the literature in individuals affected with MYO5B-related conditions. ClinVar contains an entry for this variant (Variation ID: 1386983). Invitae Evidence Modeling of protein sequence and biophysical properties (such as structural, functional, and spatial information, amino acid conservation, physicochemical variation, residue mobility, and thermodynamic stability) indicates that this missense variant is expected to disrupt MYO5B protein function with a positive predictive value of 80%. In summary, the available evidence is currently insufficient to determine the role of this variant in disease. Therefore, it has been classified as a Variant of Uncertain Significance.